The following is an entry in ClinVar:

NM_001009944.3(PKD1):c.11831T>C (p.Leu3944Pro)

Gene: PKD1 (polycystin 1, transient receptor potential channel interacting; minus strand). Cytogenetic location: 16p13.3.
Variant type: single nucleotide variant.
Coding change: c.11831T>C on transcript NM_001009944.3 (MANE Select); coding-DNA position 11831, T replaced by C.
Protein change: p.Leu3944Pro; replaces leucine 3944 with proline.
Molecular consequence: missense variant.
Genome position (GRCh38, 1-based): chr16:2,091,056, A>G on the plus strand (T>C on the coding strand, the complement: PKD1 is on the minus strand). VCF-style: chr16-2091056-A-G. GRCh37 (hg19) VCF-style: chr16-2141057-A-G.
Other names: c.11828T>C, p.Leu3943Pro (NM_000296.4); short protein forms L3943P, L3944P.
Identifiers: ClinVar variation 997244 (VCV000997244.1), dbSNP rs2091494966, ClinGen allele CA394329697.

ClinVar aggregate classification (germline): Uncertain significance (0 of 4 stars; one submission).

Conditions:
Polycystic kidney disease. Also called: Polycystic kidney dysplasia; Kidney, Polycystic. Identifiers: MedGen C0022680, MeSH D007690, MONDO:0020642, HP:0000113.

Submission:

Department of Pathology and Laboratory Medicine, Sinai Health System
Classification: Uncertain significance for Polycystic Kidney disease. Review status: no assertion criteria provided. Collection method: clinical testing. Allele origin: unknown. Affected: yes. Study: The Canadian Open Genetics Repository (COGR).
Comment: The PKD1 p.Leu3944Pro variant was not identified in the literature nor was it identified in the dbSNP, ClinVar, LOVD 3.0, or the PKD1-LOVD database. The variant was identified in ADPKD Mutation Database (as likely pathogenic). The variant was not identified in the 1000 Genomes Project, the NHLBI GO Exome Sequencing Project or the Exome Aggregation Consortium (August 8th 2016). The p.Leu3944Pro residue is conserved across mammals and other organisms, and computational analyses (PolyPhen-2, SIFT, AlignGVGD, BLOSUM, MutationTaster) suggest that the variant may impact the protein; however, this information is not predictive enough to assume pathogenicity. The variant occurs outside of the splicing consensus sequence and in silico or computational prediction software programs (SpliceSiteFinder, MaxEntScan, NNSPLICE, GeneSplicer, HumanSpliceFinder) do not predict a difference in splicing. In summary, based on the above information the clinical significance of this variant cannot be determined with certainty at this time. This variant is classified as a variant of uncertain significance.